The following is an entry in ClinVar:

NM_002948.5(RPL15):c.166A>G (p.Lys56Glu)

Genes: NKIRAS1 (NFKB inhibitor interacting Ras like 1; minus strand), RPL15 (ribosomal protein L15; plus strand). Cytogenetic location: 3p24.2.
Variant type: single nucleotide variant.
Coding change: c.166A>G on transcript NM_002948.5 (MANE Select); coding-DNA position 166, A replaced by G.
Protein change: p.Lys56Glu; replaces lysine 56 with glutamic acid.
Molecular consequence: missense variant. On other transcripts: intron variant (1).
Genome position (GRCh38, 1-based): chr3:23,918,025, A>G. VCF-style: chr3-23918025-A-G. GRCh37 (hg19) VCF-style: chr3-23959516-A-G.
Other names: c.-139-6575T>C (NM_001377380.1); c.166A>G, p.Lys56Glu (NM_001253379.2, NM_001253380.2, NM_001253382.2 and 2 more transcripts); short protein forms K56E.
Identifiers: ClinVar variation 1521962 (VCV001521962.8), dbSNP rs2125251374, ClinGen allele CA351881514.

ClinVar aggregate classification (germline): Uncertain significance (1 of 4 stars; one submission).

Submission:

Labcorp Genetics (formerly Invitae), Labcorp
Classification: Uncertain significance. Last evaluated: 2022-08-29. Review status: criteria provided, single submitter. Criteria: Invitae Variant Classification Sherloc (09022015). Collection method: clinical testing. Allele origin: germline.
Comment: This sequence change replaces lysine, which is basic and polar, with glutamic acid, which is acidic and polar, at codon 56 of the RPL15 protein (p.Lys56Glu). In summary, the available evidence is currently insufficient to determine the role of this variant in disease. Therefore, it has been classified as a Variant of Uncertain Significance. Algorithms developed to predict the effect of missense changes on protein structure and function (SIFT, PolyPhen-2, Align-GVGD) all suggest that this variant is likely to be disruptive. ClinVar contains an entry for this variant (Variation ID: 1521962). This variant has not been reported in the literature in individuals affected with RPL15-related conditions. This variant is not present in population databases (gnomAD no frequency).